The following is an entry in ClinVar:

NM_001482.3(GATM):c.48G>A (p.Ala16=)

Genes: GATM (glycine amidinotransferase; minus strand), LOC130056991 (ATAC-STARR-seq lymphoblastoid silent region 6406; plus strand). Cytogenetic location: 15q21.1.
Variant type: single nucleotide variant.
Coding change: c.48G>A on transcript NM_001482.3 (MANE Select); coding-DNA position 48, G replaced by A.
Protein change: p.Ala16=; no amino-acid change (alanine 16 retained).
Molecular consequence: synonymous variant. On other transcripts: intron variant (1).
Genome position (GRCh38, 1-based): chr15:45,378,406, C>T on the plus strand (G>A on the coding strand, the complement: GATM is on the minus strand). VCF-style: chr15-45378406-C-T. GRCh37 (hg19) VCF-style: chr15-45670604-C-T.
Other names: c.-318-1587G>A (NM_001321015.2).
Identifiers: ClinVar variation 508944 (VCV000508944.10), dbSNP rs587780951, ClinGen allele CA490236729.

ClinVar aggregate classification (germline): Likely benign. Review status: criteria provided, multiple submitters, no conflicts (2 of 4 stars). 2 submissions from 2 submitters: Likely benign (2). Last evaluated 2024-12-24.

Conditions:
Arginine:glycine amidinotransferase deficiency (CCDS3). Also called: L-Arginine:Glycine Amidinotransferase (AGAT) Deficiency; Cerebral creatine deficiency syndrome 3; AGAT deficiency; L-Arginine:Glycine Amidinotransferase Deficiency; Creatine deficiency syndrome due to AGAT deficiency; GATM deficiency. Identifiers: Orphanet 35704, MedGen C2675179, MONDO:0012996, OMIM 612718.

gnomAD v4.1: 4 of 1,506,522 alleles (0.00027%); highest among the groups gnomAD compares: Non-Finnish European, 0.00035%; no homozygotes.

Submissions (2):

Labcorp Genetics (formerly Invitae), Labcorp
Classification: Likely benign for Arginine:glycine amidinotransferase deficiency. Last evaluated: 2024-12-24. Review status: criteria provided, single submitter. Criteria: Invitae Variant Classification Sherloc (09022015). Collection method: clinical testing. Allele origin: germline.

GeneDx
Classification: Likely benign. Last evaluated: 2017-08-28. Review status: criteria provided, single submitter. Criteria: GeneDx Variant Classification (06012015). Collection method: clinical testing. Allele origin: germline. Affected: yes.
Comment: This variant is considered likely benign or benign based on one or more of the following criteria: it is a conservative change, it occurs at a poorly conserved position in the protein, it is predicted to be benign by multiple in silico algorithms, and/or has population frequency not consistent with disease.